The following is an entry in ClinVar:

ClinVar aggregate classification (germline): Uncertain significance (1 of 4 stars; one submission).

Allele frequency attached by ClinVar (database versions not stated): TOPMed 0.00001.

Submission:

Labcorp Genetics (formerly Invitae), Labcorp
Classification: Uncertain significance. Last evaluated: 2022-08-09. Review status: criteria provided, single submitter. Criteria: Invitae Variant Classification Sherloc (09022015). Collection method: clinical testing. Allele origin: germline.
Comment: In summary, the available evidence is currently insufficient to determine the role of this variant in disease. Therefore, it has been classified as a Variant of Uncertain Significance. Algorithms developed to predict the effect of sequence changes on RNA splicing suggest that this variant may disrupt the consensus splice site. ClinVar contains an entry for this variant (Variation ID: 1492263). This variant has not been reported in the literature in individuals affected with PCYT1A-related conditions. This variant is not present in population databases (gnomAD no frequency). This sequence change falls in intron 4 of the PCYT1A gene. It does not directly change the encoded amino acid sequence of the PCYT1A protein.

NM_001312673.2(PCYT1A):c.217+9A>G

Gene: PCYT1A (phosphate cytidylyltransferase 1A, choline; minus strand). Cytogenetic location: 3q29.
Variant type: single nucleotide variant.
Coding change: c.217+9A>G on transcript NM_001312673.2 (MANE Select); 9 bases into the intron after coding-DNA position 217, A replaced by G.
Molecular consequence: intron variant.
Genome position (GRCh38, 1-based): chr3:196,257,779, T>C on the plus strand (A>G on the coding strand, the complement: PCYT1A is on the minus strand). VCF-style: chr3-196257779-T-C. GRCh37 (hg19) VCF-style: chr3-195984650-T-C.
Other names: c.217+9A>G (NM_005017.4).
Identifiers: ClinVar variation 1492263 (VCV001492263.4), dbSNP rs1724991415, ClinGen allele CA1431565693.